The following is an entry in ClinVar:

ClinVar aggregate classification (germline): Conflicting classifications of pathogenicity. Review status: criteria provided, conflicting classifications (1 of 4 stars). 3 submissions from 2 submitters: Uncertain significance (2); Benign (1). Last evaluated 2019-10-17.

Conditions:
Emery-Dreifuss muscular dystrophy 4, autosomal dominant (EDMD4). Also called: EMERY-DREIFUSS MUSCULAR DYSTROPHY 4 WITH VARIABLE FEATURES. Identifiers: Orphanet 261, MedGen C2751807, MONDO:0013071, OMIM 612998.
Autosomal recessive ataxia, Beauce type. Also called: ATAXIA, RECESSIVE, OF BEAUCE; SYNE1 Deficiency; SYNE1-Related Autosomal Recessive Cerebellar Ataxia; Spinocerebellar ataxia, autosomal recessive 8. Identifiers: Orphanet 88644, MedGen C1853116, MONDO:0012549, OMIM 610743.

Allele frequency attached by ClinVar (database versions not stated): gnomAD exomes 0.00001; ExAC 0.00002.

Submissions (3):

Labcorp Genetics (formerly Invitae), Labcorp
Classification: Uncertain significance for Emery-Dreifuss muscular dystrophy 4, autosomal dominant; Autosomal recessive ataxia, Beauce type. Last evaluated: 2019-10-17. Review status: criteria provided, single submitter. Criteria: Invitae Variant Classification Sherloc (09022015). Collection method: clinical testing. Allele origin: germline.
Comment: In summary, the available evidence is currently insufficient to determine the role of this variant in disease. Therefore, it has been classified as a Variant of Uncertain Significance. This sequence change replaces aspartic acid with glycine at codon 3972 of the SYNE1 protein (p.Asp3972Gly). The aspartic acid residue is highly conserved and there is a moderate physicochemical difference between aspartic acid and glycine. This variant is present in population databases (rs761744256, ExAC 0.02%). This variant has not been reported in the literature in individuals with SYNE1-related conditions. Algorithms developed to predict the effect of missense changes on protein structure and function (SIFT, PolyPhen-2, Align-GVGD) all suggest that this variant is likely to be disruptive, but these predictions have not been confirmed by published functional studies and their clinical significance is uncertain.

Illumina Laboratory Services, Illumina
Classification: Benign for Emery-Dreifuss muscular dystrophy 4, autosomal dominant. Last evaluated: 2018-01-13. Review status: criteria provided, single submitter. Criteria: ICSL Variant Classification Criteria 13 December 2019. Collection method: clinical testing. Allele origin: germline.
Comment: This variant was observed in the ICSL laboratory as part of a predisposition screen in an ostensibly healthy population. It had not been previously curated by ICSL or reported in the Human Gene Mutation Database (HGMD: prior to June 1st, 2018), and was therefore a candidate for classification through an automated scoring system. Utilizing variant allele frequency, disease prevalence and penetrance estimates, and inheritance mode, an automated score was calculated to assess if this variant is too frequent to cause the disease. Based on the score and internal cut-off values, a variant classified as benign is not then subjected to further curation. The score for this variant resulted in a classification of benign for this disease.

Illumina Laboratory Services, Illumina
Classification: Uncertain significance for Autosomal recessive ataxia, Beauce type. Last evaluated: 2018-01-13. Review status: criteria provided, single submitter. Criteria: ICSL Variant Classification Criteria 13 December 2019. Collection method: clinical testing. Allele origin: germline.

NM_182961.4(SYNE1):c.12128A>G (p.Asp4043Gly)

Gene: SYNE1 (spectrin repeat containing nuclear envelope protein 1; minus strand). Cytogenetic location: 6q25.2.
Variant type: single nucleotide variant.
Coding change: c.12128A>G on transcript NM_182961.4 (MANE Select); coding-DNA position 12128, A replaced by G.
Protein change: p.Asp4043Gly; replaces aspartic acid 4043 with glycine.
Molecular consequence: missense variant.
Genome position (GRCh38, 1-based): chr6:152,344,178, T>C on the plus strand (A>G on the coding strand, the complement: SYNE1 is on the minus strand). VCF-style: chr6-152344178-T-C. GRCh37 (hg19) VCF-style: chr6-152665313-T-C.
Other names: c.11915A>G, p.Asp3972Gly (NM_033071.5); short protein forms D4043G, D3972G.
Identifiers: ClinVar variation 903732 (VCV000903732.13), dbSNP rs761744256, ClinGen allele CA4056498.
Genomic context (GRCh38, chr6:152,344,178, plus strand): 5'-GGACTTGGCTCTAAATCCGGCTGGACTGCAGAAAGCCAGGCCTGGCACTGCTGCAGGGTG[T>C]CTTGTCGGCTGACGTGCTTCTGAAGTTCGTGTTCCAAACTCTGGTACATCTGAGACAATA-3'
Protein context (NP_892006.3, residues 4033-4053): HELQKHVSRQ[Asp4043Gly]TLQQCQAWLS